The following is an entry in ClinVar:

NM_000428.3(LTBP2):c.5173C>T (p.Pro1725Ser)

Gene: LTBP2 (latent transforming growth factor beta binding protein 2; minus strand). Cytogenetic location: 14q24.3.
Variant type: single nucleotide variant.
Coding change: c.5173C>T on transcript NM_000428.3 (MANE Select); coding-DNA position 5173, C replaced by T.
Protein change: p.Pro1725Ser; replaces proline 1725 with serine.
Molecular consequence: missense variant.
Genome position (GRCh38, 1-based): chr14:74,501,588, G>A on the plus strand (C>T on the coding strand, the complement: LTBP2 is on the minus strand). VCF-style: chr14-74501588-G-A. GRCh37 (hg19) VCF-style: chr14-74968291-G-A.
Other names: short protein forms P1725S.
Identifiers: ClinVar variation 1435041 (VCV001435041.3), dbSNP rs758548129, ClinGen allele CA7268490.

ClinVar aggregate classification (germline): Uncertain significance (1 of 4 stars; one submission).

Allele frequency attached by ClinVar (database versions not stated): gnomAD 0.00001; ExAC 0.00002.
gnomAD v4.1: 37 of 1,613,928 alleles (0.0023%); highest among the groups gnomAD compares: Non-Finnish European, 0.003%; no homozygotes.

Submission:

Labcorp Genetics (formerly Invitae), Labcorp
Classification: Uncertain significance. Last evaluated: 2022-07-26. Review status: criteria provided, single submitter. Criteria: Invitae Variant Classification Sherloc (09022015). Collection method: clinical testing. Allele origin: germline.
Comment: This sequence change replaces proline, which is neutral and non-polar, with serine, which is neutral and polar, at codon 1725 of the LTBP2 protein (p.Pro1725Ser). This variant is present in population databases (rs758548129, gnomAD 0.002%). This variant has not been reported in the literature in individuals affected with LTBP2-related conditions. ClinVar contains an entry for this variant (Variation ID: 1435041). Algorithms developed to predict the effect of missense changes on protein structure and function output the following: SIFT: "Tolerated"; PolyPhen-2: "Benign"; Align-GVGD: "Class C0". The serine amino acid residue is found in multiple mammalian species, which suggests that this missense change does not adversely affect protein function. In summary, the available evidence is currently insufficient to determine the role of this variant in disease. Therefore, it has been classified as a Variant of Uncertain Significance.